The following is an entry in ClinVar:

NM_016507.4(CDK12):c.316G>A (p.Asp106Asn)

Genes: CDK12 (cyclin dependent kinase 12; plus strand), LOC126862553 (CDK7 strongly-dependent group 2 enhancer GRCh37_chr17:37618166-37619365; plus strand). Cytogenetic location: 17q12.
Variant type: single nucleotide variant.
Coding change: c.316G>A on transcript NM_016507.4 (MANE Select); coding-DNA position 316, G replaced by A.
Protein change: p.Asp106Asn; replaces aspartic acid 106 with asparagine.
Molecular consequence: missense variant.
Genome position (GRCh38, 1-based): chr17:39,462,387, G>A. VCF-style: chr17-39462387-G-A. GRCh37 (hg19) VCF-style: chr17-37618640-G-A.
Other names: c.316G>A, p.Asp106Asn (NM_015083.4); short protein forms D106N.
Identifiers: ClinVar variation 4868461 (VCV004868461.1).

ClinVar aggregate classification (germline): Uncertain significance (1 of 4 stars; one submission).

Submission:

Ambry Genetics
Classification: Uncertain significance. Last evaluated: 2026-03-27. Review status: criteria provided, single submitter. Criteria: Ambry Variant Classification Scheme 2023. Collection method: clinical testing. Allele origin: germline.
Comment: The p.D106N variant (also known as c.316G>A), located in coding exon 1 of the CDK12 gene, results from a G to A substitution at nucleotide position 316. The aspartic acid at codon 106 is replaced by asparagine, an amino acid with highly similar properties. This amino acid position is conserved. In addition, this alteration is predicted to be tolerated by in silico analysis. Based on the available evidence, the clinical significance of this variant remains unclear.